The following is an entry in ClinVar:

NM_007194.4(CHEK2):c.181del (p.Ser61fs)

Gene: CHEK2 (checkpoint kinase 2; minus strand). Cytogenetic location: 22q12.1.
Variant type: Deletion.
Coding change: c.181del on transcript NM_007194.4 (MANE Select); coding-DNA position 181, one base deleted (A; older notation c.181delA).
Protein change: p.Ser61fs; shifts the reading frame from serine 61.
Molecular consequence: frameshift variant.
Genome position (GRCh38, 1-based): chr22:28,734,541, T deleted on the plus strand (A on the coding strand, the reverse complement: CHEK2 is on the minus strand). VCF-style (leftmost placement, unchanged base first): chr22-28734540-CT-C. GRCh37 (hg19) VCF-style: chr22-29130528-CT-C.
Other names: c.181delA, p.Ser61Alafs (NM_001005735.3, NM_001349956.3, NM_145862.3); c.-597delA (NM_001257387.3); short protein forms S61fs.
Identifiers: ClinVar variation 657873 (VCV000657873.7), dbSNP rs1601852451, ClinGen allele CA915952749.
Genomic context (GRCh38, chr22:28,734,540, plus strand): 5'-TCAGGTTCTTGGTCCTCAGGAATAGAATAGAGTTCCTGAGTGGACACTGTCTCTAAGGAG[CT>C]CAGTGTCCCAGAGCTGGAGTGAGAGGACTGGCTGGAGTTTGGCATCGTGCTGGTAGAGGA-3'

ClinVar aggregate classification (germline): Pathogenic (1 of 4 stars; one submission).

Conditions:
Familial cancer of breast. Also called: Hereditary breast cancer; hereditary breast carcinoma; BREAST CANCER, FAMILIAL. Identifiers: Orphanet 227535, MedGen C0346153, MONDO:0016419, OMIM 114480. Disease mechanism: loss of function.

Submission:

Labcorp Genetics (formerly Invitae), Labcorp
Classification: Pathogenic for Familial cancer of breast. Last evaluated: 2018-12-08. Review status: criteria provided, single submitter. Criteria: Invitae Variant Classification Sherloc (09022015). Collection method: clinical testing. Allele origin: germline.
Comment: This sequence change creates a premature translational stop signal (p.Ser61Alafs*3) in the CHEK2 gene. It is expected to result in an absent or disrupted protein product. This variant is not present in population databases (ExAC no frequency). This variant has not been reported in the literature in individuals with CHEK2-related conditions. Loss-of-function variants in CHEK2 are known to be pathogenic (PMID: 21876083, 24713400). For these reasons, this variant has been classified as Pathogenic.

Literature cited by the submitters: PubMed 21876083; PubMed 24713400.